The following is an entry in ClinVar:

ClinVar aggregate classification (germline): Uncertain significance (1 of 4 stars; one submission).

Allele frequency attached by ClinVar (database versions not stated): gnomAD exomes below 0.00001; ExAC 0.00001; TOPMed 0.00001.
gnomAD v4.1: 6 of 1,607,298 alleles (0.00037%); highest among the groups gnomAD compares: African/African-American, 0.0027%; no homozygotes.

Submission:

Labcorp Genetics (formerly Invitae), Labcorp
Classification: Uncertain significance. Last evaluated: 2022-11-01. Review status: criteria provided, single submitter. Criteria: Invitae Variant Classification Sherloc (09022015). Collection method: clinical testing. Allele origin: germline.
Comment: In summary, the available evidence is currently insufficient to determine the role of this variant in disease. Therefore, it has been classified as a Variant of Uncertain Significance. Advanced modeling of protein sequence and biophysical properties (such as structural, functional, and spatial information, amino acid conservation, physicochemical variation, residue mobility, and thermodynamic stability) performed at Invitae indicates that this missense variant is not expected to disrupt SLC12A6 protein function. This variant has not been reported in the literature in individuals affected with SLC12A6-related conditions. This variant is present in population databases (rs763829723, gnomAD 0.004%). This sequence change replaces asparagine, which is neutral and polar, with serine, which is neutral and polar, at codon 671 of the SLC12A6 protein (p.Asn671Ser).

NM_001365088.1(SLC12A6):c.2012A>G (p.Asn671Ser)

Gene: SLC12A6 (solute carrier family 12 member 6; minus strand). Cytogenetic location: 15q14.
Variant type: single nucleotide variant.
Coding change: c.2012A>G on transcript NM_001365088.1 (MANE Select); coding-DNA position 2012, A replaced by G.
Protein change: p.Asn671Ser; replaces asparagine 671 with serine.
Molecular consequence: missense variant.
Genome position (GRCh38, 1-based): chr15:34,244,004, T>C on the plus strand (A>G on the coding strand, the complement: SLC12A6 is on the minus strand). VCF-style: chr15-34244004-T-C. GRCh37 (hg19) VCF-style: chr15-34536205-T-C.
Other names: c.1835A>G, p.Asn612Ser (NM_001042494.2, NM_001042495.2); c.1985A>G, p.Asn662Ser (NM_001042496.2); c.1967A>G, p.Asn656Ser (NM_001042497.2); c.1859A>G, p.Asn620Ser (NM_005135.2); c.2012A>G, p.Asn671Ser (NM_133647.2); short protein forms N656S, N620S, N662S, N612S, N671S.
Identifiers: ClinVar variation 2160426 (VCV002160426.4), dbSNP rs763829723, ClinGen allele CA7464169.